The following is an entry in ClinVar:

ClinVar aggregate classification (germline): Uncertain significance. Review status: criteria provided, multiple submitters, no conflicts (2 of 4 stars). 2 submissions from 2 submitters: Uncertain significance (2). Last evaluated 2025-06-22.

Conditions:
Inborn genetic diseases. Identifiers: MedGen C0950123, MeSH D030342.
Fanconi anemia (FA). Also called: Fanconi's anemia. Identifiers: Orphanet 84, MedGen C0015625, MeSH D005199, MONDO:0019391.

Allele frequency attached by ClinVar (database versions not stated): gnomAD exomes below 0.00001.
gnomAD v4.1: 1 of 1,613,322 alleles (0.000062%); highest among the groups gnomAD compares: Middle Eastern, 0.018%; no homozygotes.

Submissions (2):

Labcorp Genetics (formerly Invitae), Labcorp
Classification: Uncertain significance for Fanconi anemia. Last evaluated: 2025-06-22. Review status: criteria provided, single submitter. Criteria: Invitae Variant Classification Sherloc (09022015). Collection method: clinical testing. Allele origin: germline.
Comment: This sequence change replaces threonine, which is neutral and polar, with alanine, which is neutral and non-polar, at codon 760 of the SLX4 protein (p.Thr760Ala). This variant is not present in population databases (gnomAD no frequency). This variant has not been reported in the literature in individuals affected with SLX4-related conditions. ClinVar contains an entry for this variant (Variation ID: 1046537). An algorithm developed to predict the effect of missense changes on protein structure and function outputs the following: PolyPhen-2: "Benign". The alanine amino acid residue is found in multiple mammalian species, which suggests that this missense change does not adversely affect protein function. In summary, the available evidence is currently insufficient to determine the role of this variant in disease. Therefore, it has been classified as a Variant of Uncertain Significance.

Ambry Genetics
Classification: Uncertain significance for Inborn genetic diseases. Last evaluated: 2024-05-02. Review status: criteria provided, single submitter. Criteria: Ambry Variant Classification Scheme 2023. Collection method: clinical testing. Allele origin: germline.

NM_032444.4(SLX4):c.2278A>G (p.Thr760Ala)

Gene: SLX4 (SLX4 structure-specific endonuclease subunit; minus strand). Cytogenetic location: 16p13.3.
Variant type: single nucleotide variant.
Coding change: c.2278A>G on transcript NM_032444.4 (MANE Select); coding-DNA position 2278, A replaced by G.
Protein change: p.Thr760Ala; replaces threonine 760 with alanine.
Molecular consequence: missense variant.
Genome position (GRCh38, 1-based): chr16:3,592,748, T>C on the plus strand (A>G on the coding strand, the complement: SLX4 is on the minus strand). VCF-style: chr16-3592748-T-C. GRCh37 (hg19) VCF-style: chr16-3642749-T-C.
Other names: c.2278A>G (NM_032444.2); short protein forms T760A.
Identifiers: ClinVar variation 1046537 (VCV001046537.9), dbSNP rs2040607353, ClinGen allele CA394524764.